The following is an entry in ClinVar:

ClinVar aggregate classification (germline): Uncertain significance (1 of 4 stars; one submission).

Submission:

GeneDx
Classification: Uncertain significance. Last evaluated: 2025-07-05. Review status: criteria provided, single submitter. Criteria: GeneDx Variant Classification Process June 2021. Collection method: clinical testing. Allele origin: germline. Affected: yes.
Comment: Not observed at significant frequency in large population cohorts (gnomAD); In silico analysis supports that this missense variant has a deleterious effect on protein structure/function; Has not been previously published as pathogenic or benign to our knowledge

NM_004408.4(DNM1):c.863A>G (p.His288Arg)

Gene: DNM1 (dynamin 1; plus strand). Cytogenetic location: 9q34.11.
Variant type: single nucleotide variant.
Coding change: c.863A>G on transcript NM_004408.4 (MANE Select); coding-DNA position 863, A replaced by G.
Protein change: p.His288Arg; replaces histidine 288 with arginine.
Molecular consequence: missense variant.
Genome position (GRCh38, 1-based): chr9:128,222,210, A>G. VCF-style: chr9-128222210-A-G. GRCh37 (hg19) VCF-style: chr9-130984489-A-G.
Other names: c.863A>G, p.His288Arg (NM_001005336.3, NM_001288737.2, NM_001288738.2 and 2 more transcripts); short protein forms H288R.
Identifiers: ClinVar variation 4681099 (VCV004681099.1).